The following is an entry in ClinVar:

ClinVar aggregate classification (germline): Uncertain significance (1 of 4 stars; one submission).

Conditions:
DOCK8-related disorder. Also called: DOCK8-related condition.

Allele frequency attached by ClinVar (database versions not stated): gnomAD exomes below 0.00001.
gnomAD v4.1: 1 of 1,611,678 alleles (0.000062%); highest among the groups gnomAD compares: Non-Finnish European, 0.000085%; no homozygotes.

Submission:

PreventionGenetics, part of Exact Sciences
Classification: Uncertain significance for DOCK8-related condition. Last evaluated: 2023-03-24. Review status: criteria provided, single submitter. Criteria: ACMG Guidelines, 2015. Collection method: clinical testing. Allele origin: germline.
Comment: The DOCK8 c.388C>G variant is predicted to result in the amino acid substitution p.Leu130Val. To our knowledge, this variant has not been reported in the literature or in a large population database, indicating this variant is rare. At this time, the clinical significance of this variant is uncertain due to the absence of conclusive functional and genetic evidence.

NM_203447.4(DOCK8):c.388C>G (p.Leu130Val)

Gene: DOCK8 (dedicator of cytokinesis 8; plus strand). Cytogenetic location: 9p24.3.
Variant type: single nucleotide variant.
Coding change: c.388C>G on transcript NM_203447.4 (MANE Select); coding-DNA position 388, C replaced by G.
Protein change: p.Leu130Val; replaces leucine 130 with valine.
Molecular consequence: missense variant.
Genome position (GRCh38, 1-based): chr9:289,565, C>G. VCF-style: chr9-289565-C-G. GRCh37 (hg19) VCF-style: chr9-289565-C-G.
Other names: c.184C>G, p.Leu62Val (NM_001190458.2, NM_001193536.2); short protein forms L130V, L62V.
Identifiers: ClinVar variation 2633891 (VCV002633891.1), dbSNP rs2537584022, ClinGen allele CA372757286.